The following is an entry in ClinVar:

ClinVar aggregate classification (germline): Uncertain significance (1 of 4 stars; one submission).

Conditions:
Cardiovascular phenotype. Identifiers: MedGen CN230736.

Submission:

Ambry Genetics
Classification: Uncertain significance for Cardiovascular phenotype. Last evaluated: 2022-05-09. Review status: criteria provided, single submitter. Criteria: Ambry Variant Classification Scheme 2023. Collection method: clinical testing. Allele origin: germline.
Comment: The c.3769dupA variant, located in coding exon 30 of the ABCC9 gene, results from a duplication of A at nucleotide position 3769, causing a translational frameshift with a predicted alternate stop codon (p.T1257Nfs*15). This alteration is expected to result in premature protein truncation or nonsense-mediated mRNA decay. However, loss of function of ABCC9 has not been clearly established as a mechanism of disease. Since supporting evidence is limited at this time, the clinical significance of this alteration remains unclear.

NM_020297.4(ABCC9):c.3769dup (p.Thr1257fs)

Genes: ABCC9 (ATP binding cassette subfamily C member 9; minus strand), KCNJ8-AS1 (KCNJ8 antisense RNA 1; plus strand). Cytogenetic location: 12p12.1.
Variant type: Duplication.
Coding change: c.3769dup on transcript NM_020297.4 (MANE Select); coding-DNA position 3769, one base duplicated (A; older notation c.3769dupA).
Protein change: p.Thr1257fs; shifts the reading frame from threonine 1257.
Molecular consequence: frameshift variant.
Genome position (GRCh38, 1-based): chr12:21,818,152, T duplicated on the plus strand (A on the coding strand, the reverse complement: ABCC9 is on the minus strand). VCF-style (leftmost placement, unchanged base first): chr12-21818151-G-GT. GRCh37 (hg19) VCF-style: chr12-21971085-G-GT.
Other names: c.3769dup, p.Thr1257fs (NM_001377273.1, NM_005691.4); c.2902dup, p.Thr968fs (NM_001377274.1); c.3769dupA (NM_005691.2); short protein forms T1257fs, T968fs.
Identifiers: ClinVar variation 1734734 (VCV001734734.2), dbSNP rs2540887055, ClinGen allele CA2575099213.